The following is an entry in ClinVar:

ClinVar aggregate classification (germline): Uncertain significance (1 of 4 stars; one submission).

Conditions:
Familial cold autoinflammatory syndrome 3 (FCAS3). Also called: FAMILIAL ATYPICAL COLD URTICARIA; ANTIBODY DEFICIENCY AND IMMUNE DYSREGULATION, PLCG2-ASSOCIATED. Identifiers: Orphanet 300359, MedGen C3280914, MONDO:0013766, OMIM 614468.

Submission:

Labcorp Genetics (formerly Invitae), Labcorp
Classification: Uncertain significance for Familial cold autoinflammatory syndrome 3. Last evaluated: 2023-06-13. Review status: criteria provided, single submitter. Criteria: Invitae Variant Classification Sherloc (09022015). Collection method: clinical testing. Allele origin: germline.
Comment: This sequence change falls in intron 20 of the PLCG2 gene. It does not directly change the encoded amino acid sequence of the PLCG2 protein. Information on the frequency of this variant in the gnomAD database is not available, as this variant may be reported differently in the database. This variant has not been reported in the literature in individuals affected with PLCG2-related conditions. Experimental studies and prediction algorithms are not available or were not evaluated, and the effect of this variant on mRNA splicing is currently unknown. In summary, the available evidence is currently insufficient to determine the role of this variant in disease. Therefore, it has been classified as a Variant of Uncertain Significance.

NM_002661.5(PLCG2):c.2236-14_2236-13delinsGG

Gene: PLCG2 (phospholipase C gamma 2; plus strand). Cytogenetic location: 16q23.3.
Variant type: Indel.
Coding change: c.2236-14_2236-13delinsGG on transcript NM_002661.5 (MANE Select); 14 bases into the intron before coding-DNA position 2236 through 13 bases into the intron before coding-DNA position 2236, CT replaced by GG.
Molecular consequence: intron variant.
Genome position (GRCh38, 1-based): chr16:81,921,184-81,921,185, CT replaced by GG. VCF-style: chr16-81921184-CT-GG. GRCh37 (hg19) VCF-style: chr16-81954789-CT-GG.
Identifiers: ClinVar variation 2827681 (VCV002827681.3), dbSNP rs2507705841, ClinGen allele CA2739266914.
Genomic context (GRCh38, chr16:81,921,184, plus strand): 5'-AGAACCCTTGTTATATGTAAGGGCTATTCCAGGAGCATGGATTATTCCATTTCTTTCTTT[CT>GG]TTTTTTTTCCAGGAAAGAGATATAAACTCCCTCTACGACGTCAGCAGAATGTATGTGGAT-3'